The following is an entry in ClinVar:

NM_020810.3(TRMT5):c.207G>T (p.Glu69Asp)

Gene: TRMT5 (tRNA methyltransferase 5; minus strand). Cytogenetic location: 14q23.1.
Variant type: single nucleotide variant.
Coding change: c.207G>T on transcript NM_020810.3 (MANE Select); coding-DNA position 207, G replaced by T.
Protein change: p.Glu69Asp; replaces glutamic acid 69 with aspartic acid.
Molecular consequence: missense variant.
Genome position (GRCh38, 1-based): chr14:60,979,691, C>A on the plus strand (G>T on the coding strand, the complement: TRMT5 is on the minus strand). VCF-style: chr14-60979691-C-A. GRCh37 (hg19) VCF-style: chr14-61446409-C-A.
Other names: c.291G>T, p.Glu97Asp (NM_001350253.1); c.288G>T, p.Glu96Asp (NM_001350254.1); short protein forms E69D, E96D, E97D.
Identifiers: ClinVar variation 2418118 (VCV002418118.3), dbSNP rs1180685311, ClinGen allele CA389921416.

ClinVar aggregate classification (germline): Uncertain significance (1 of 4 stars; one submission).

Allele frequency attached by ClinVar (database versions not stated): gnomAD exomes below 0.00001; TOPMed 0.00001.
gnomAD v4.1: 2 of 1,614,074 alleles (0.00012%); highest among the groups gnomAD compares: Admixed American, 0.0033%; no homozygotes.

Submission:

Labcorp Genetics (formerly Invitae), Labcorp
Classification: Uncertain significance. Last evaluated: 2022-05-21. Review status: criteria provided, single submitter. Criteria: Invitae Variant Classification Sherloc (09022015). Collection method: clinical testing. Allele origin: germline.
Comment: This sequence change replaces glutamic acid, which is acidic and polar, with aspartic acid, which is acidic and polar, at codon 69 of the TRMT5 protein (p.Glu69Asp). This variant is present in population databases (no rsID available, gnomAD 0.003%). This variant has not been reported in the literature in individuals affected with TRMT5-related conditions. Algorithms developed to predict the effect of missense changes on protein structure and function output the following: SIFT: "Tolerated"; PolyPhen-2: "Benign"; Align-GVGD: "Class C0". The aspartic acid amino acid residue is found in multiple mammalian species, which suggests that this missense change does not adversely affect protein function. In summary, the available evidence is currently insufficient to determine the role of this variant in disease. Therefore, it has been classified as a Variant of Uncertain Significance.